The following is an entry in ClinVar:

ClinVar aggregate classification (germline): Uncertain significance (1 of 4 stars; one submission).

Submission:

Labcorp Genetics (formerly Invitae), Labcorp
Classification: Uncertain significance. Last evaluated: 2022-09-26. Review status: criteria provided, single submitter. Criteria: Invitae Variant Classification Sherloc (09022015). Collection method: clinical testing. Allele origin: germline.
Comment: Advanced modeling of protein sequence and biophysical properties (such as structural, functional, and spatial information, amino acid conservation, physicochemical variation, residue mobility, and thermodynamic stability) performed at Invitae indicates that this missense variant is expected to disrupt CCBE1 protein function. This variant is not present in population databases (gnomAD no frequency). This sequence change replaces glycine, which is neutral and non-polar, with alanine, which is neutral and non-polar, at codon 116 of the CCBE1 protein (p.Gly116Ala). This variant has not been reported in the literature in individuals affected with CCBE1-related conditions. In summary, the available evidence is currently insufficient to determine the role of this variant in disease. Therefore, it has been classified as a Variant of Uncertain Significance.

NM_133459.4(CCBE1):c.347G>C (p.Gly116Ala)

Gene: CCBE1 (collagen and calcium binding EGF domains 1; minus strand). Cytogenetic location: 18q21.32.
Variant type: single nucleotide variant.
Coding change: c.347G>C on transcript NM_133459.4 (MANE Select); coding-DNA position 347, G replaced by C.
Protein change: p.Gly116Ala; replaces glycine 116 with alanine.
Molecular consequence: missense variant.
Genome position (GRCh38, 1-based): chr18:59,469,526, C>G on the plus strand (G>C on the coding strand, the complement: CCBE1 is on the minus strand). VCF-style: chr18-59469526-C-G. GRCh37 (hg19) VCF-style: chr18-57136758-C-G.
Other names: short protein forms G116A.
Identifiers: ClinVar variation 2127411 (VCV002127411.4), dbSNP rs2511581012, ClinGen allele CA402592501.